The following is an entry in ClinVar:

NM_002905.5(RDH5):c.71_74del (p.Leu24fs)

Genes: RDH5 (retinol dehydrogenase 5; plus strand), BLOC1S1-RDH5 (BLOC1S1-RDH5 readthrough; plus strand). Cytogenetic location: 12q13.2.
Variant type: Deletion.
Coding change: c.71_74del on transcript NM_002905.5 (MANE Select); coding-DNA positions 71 to 74, 4 bases deleted (TGCC; older notation c.71_74delTGCC).
Protein change: p.Leu24fs; shifts the reading frame from leucine 24.
Molecular consequence: frameshift variant.
Genome position (GRCh38, 1-based): chr12:55,721,255-55,721,258, TGCC deleted; deleting any 4 consecutive bases within chr12:55,721,252-55,721,258 gives the same sequence; the c. name uses the placement nearest the transcript's 3' end. VCF-style (leftmost placement, unchanged base first): chr12-55721251-AGCCT-A. GRCh37 (hg19) VCF-style: chr12-56115035-AGCCT-A.
Other names: c.71_74delTGCC (NM_002905.3); c.71_74del, p.Leu24fs (NM_001199771.3); short protein forms L24fs.
Identifiers: ClinVar variation 812391 (VCV000812391.9), dbSNP rs776634113, ClinGen allele CA6616737.

ClinVar aggregate classification (germline): Pathogenic. Review status: criteria provided, multiple submitters, no conflicts (2 of 4 stars). 5 submissions from 5 submitters: Pathogenic (4). 1 of the submissions does not count toward it. Last evaluated 2025-12-08.

Conditions:
RDH5-related disorder. Also called: RDH5-related condition.
Pigmentary retinal dystrophy. Also called: Fundus albipunctatus. Identifiers: Orphanet 227796, Orphanet 52427, MedGen C0311338, MONDO:0007639, OMIM 136880, HP:0030642.

Submissions (5):

Labcorp Genetics (formerly Invitae), Labcorp
Classification: Pathogenic. Last evaluated: 2025-12-08. Review status: criteria provided, single submitter. Criteria: Invitae Variant Classification Sherloc (09022015). Collection method: clinical testing. Allele origin: germline.
Comment: This sequence change creates a premature translational stop signal (p.Leu24Profs*36) in the RDH5 gene. It is expected to result in an absent or disrupted protein product. Loss-of-function variants in RDH5 are known to be pathogenic (PMID: 11675386, 22815624). This variant is present in population databases (rs776634113, gnomAD 0.09%). This premature translational stop signal has been observed in individual(s) with fundus albipunctatus (PMID: 22815624). This variant is also known as c.242delTGCC. ClinVar contains an entry for this variant (Variation ID: 812391). For these reasons, this variant has been classified as Pathogenic.

PreventionGenetics, part of Exact Sciences
Classification: Pathogenic for RDH5-related condition. Last evaluated: 2025-10-28. Review status: criteria provided, single submitter. Criteria: ACMG Guidelines, 2015. Collection method: clinical testing. Allele origin: germline.
Comment: The RDH5 c.71_74delTGCC variant is predicted to result in a frameshift and premature protein termination (p.Leu24Profs*36). This variant has been reported in the homozygous state in individuals with fundus albipunctatus (reported as c.242delTGCC, Pras et al. 2012. PubMed ID: 22815624). This variant is present in 0.099% of alleles in individuals of Ashkenazi Jewish descent in gnomAD. Frameshift variants in RDH5 are an established mechanism of disease. This variant is interpreted as pathogenic.

Fulgent Genetics
Classification: Pathogenic for Pigmentary retinal dystrophy. Last evaluated: 2024-01-30. Review status: criteria provided, single submitter. Criteria: ACMG Guidelines, 2015. Collection method: clinical testing. Allele origin: germline.

Blueprint Genetics
Classification: Pathogenic for RDH5-related disorders. Last evaluated: 2023-11-23. Review status: criteria provided, single submitter. Criteria: ACMG Guidelines, 2015. Collection method: clinical testing. Allele origin: germline. Affected: yes. Observed: 5 variant alleles.

Sharon lab, Hadassah-Hebrew University Medical Center
Classification: Pathogenic for Fundus albipunctatus. Last evaluated: 2019-06-23. Review status: no assertion criteria provided. Collection method: research. Allele origin: inherited. Affected: yes. Not counted in ClinVar's aggregate classification.

Literature cited by the submitters: PubMed 11675386 (cited by Labcorp Genetics (formerly Invitae), Labcorp); PubMed 22815624 (cited by Labcorp Genetics (formerly Invitae), Labcorp).